The following is an entry in ClinVar:

ClinVar aggregate classification (germline): Uncertain significance (1 of 4 stars; one submission).

Conditions:
3-methylcrotonyl-CoA carboxylase 1 deficiency (MCC1D). Also called: MCC 1 deficiency; 3 Alpha methylcrotonylglycinuria 1; MCCD TYPE 1; METHYLCROTONYLGLYCINURIA TYPE I. Identifiers: Orphanet 6, MedGen CN028786, MONDO:0008861, OMIM 210200.

Submission:

Labcorp Genetics (formerly Invitae), Labcorp
Classification: Uncertain significance for 3-methylcrotonyl-CoA carboxylase 1 deficiency. Last evaluated: 2021-11-09. Review status: criteria provided, single submitter. Criteria: Invitae Variant Classification Sherloc (09022015). Collection method: clinical testing. Allele origin: germline.
Comment: This sequence change affects an acceptor splice site in intron 18 of the MCCC1 gene. While this variant is not anticipated to result in nonsense mediated decay, it likely alters RNA splicing and results in a disrupted protein product. This variant is not present in population databases (gnomAD no frequency). This variant has not been reported in the literature in individuals affected with MCCC1-related conditions. Variants that disrupt the consensus splice site are a relatively common cause of aberrant splicing (PMID: 17576681, 9536098). Algorithms developed to predict the effect of sequence changes on RNA splicing suggest that this variant may disrupt the consensus splice site. In summary, the available evidence is currently insufficient to determine the role of this variant in disease. Therefore, it has been classified as a Variant of Uncertain Significance.

Literature cited by the submitters: PubMed 17576681; PubMed 9536098.

NM_020166.5(MCCC1):c.2050-2A>G

Gene: MCCC1 (methylcrotonyl-CoA carboxylase subunit 1; minus strand). Cytogenetic location: 3q27.1.
Variant type: single nucleotide variant.
Coding change: c.2050-2A>G on transcript NM_020166.5 (MANE Select); the canonical splice acceptor site of the intron before coding-DNA position 2050, A replaced by G.
Molecular consequence: splice acceptor variant.
Genome position (GRCh38, 1-based): chr3:183,015,568, T>C on the plus strand (A>G on the coding strand, the complement: MCCC1 is on the minus strand). VCF-style: chr3-183015568-T-C. GRCh37 (hg19) VCF-style: chr3-182733356-T-C.
Other names: c.1723-2A>G (NM_001363880.1); c.1699-2A>G (NM_001293273.2).
Identifiers: ClinVar variation 1514730 (VCV001514730.6), dbSNP rs2108428908, ClinGen allele CA355313499.
Genomic context (GRCh38, chr3:183,015,568, plus strand): 5'-GCACCTTCTCTGTAGAACACTTTCTTTACTGTGCCATCCTTTGGAGACTTTATGGTATGC[T>C]GCAGAGACACATGACAGGACAAATGATAGCTGCAATACTAATGAGGACTGAGTATACACC-3'